The following is an entry in ClinVar:

NM_176787.5(PIGN):c.2672+3A>G

Gene: PIGN (phosphatidylinositol glycan anchor biosynthesis class N; minus strand). Cytogenetic location: 18q21.33.
Variant type: single nucleotide variant.
Coding change: c.2672+3A>G on transcript NM_176787.5 (MANE Select); 3 bases into the intron after coding-DNA position 2672, A replaced by G.
Molecular consequence: intron variant.
Genome position (GRCh38, 1-based): chr18:62,072,670, T>C on the plus strand (A>G on the coding strand, the complement: PIGN is on the minus strand). VCF-style: chr18-62072670-T-C. GRCh37 (hg19) VCF-style: chr18-59739903-T-C.
Other names: c.2672+3A>G (NM_012327.6).
Identifiers: ClinVar variation 1369181 (VCV001369181.3), dbSNP rs1226895379, ClinGen allele CA630379609.

ClinVar aggregate classification (germline): Uncertain significance (1 of 4 stars; one submission).

Conditions:
Multiple congenital anomalies-hypotonia-seizures syndrome 1 (MCAHS1). Also called: PIGN-CDG; Congenital disorder of glycosylation due to PIGN deficiency; GLYCOSYLPHOSPHATIDYLINOSITOL BIOSYNTHESIS DEFECT 3. Identifiers: Orphanet 280633, MedGen C3279775, MONDO:0013563, OMIM 614080.

Allele frequency attached by ClinVar (database versions not stated): gnomAD exomes below 0.00001; TOPMed 0.00002; gnomAD 0.00003.
gnomAD v4.1: 8 of 1,602,564 alleles (0.0005%); highest among the groups gnomAD compares: Non-Finnish European, 0.00068%; no homozygotes.

Submission:

Labcorp Genetics (formerly Invitae), Labcorp
Classification: Uncertain significance for Multiple congenital anomalies-hypotonia-seizures syndrome 1. Last evaluated: 2022-07-19. Review status: criteria provided, single submitter. Criteria: Invitae Variant Classification Sherloc (09022015). Collection method: clinical testing. Allele origin: germline.
Comment: This sequence change falls in intron 30 of the PIGN gene. It does not directly change the encoded amino acid sequence of the PIGN protein. It affects a nucleotide within the consensus splice site. This variant is not present in population databases (gnomAD no frequency). This variant has not been reported in the literature in individuals affected with PIGN-related conditions. ClinVar contains an entry for this variant (Variation ID: 1369181). Variants that disrupt the consensus splice site are a relatively common cause of aberrant splicing (PMID: 17576681, 9536098). Algorithms developed to predict the effect of sequence changes on RNA splicing suggest that this variant may disrupt the consensus splice site. In summary, the available evidence is currently insufficient to determine the role of this variant in disease. Therefore, it has been classified as a Variant of Uncertain Significance.

Literature cited by the submitters: PubMed 17576681; PubMed 9536098.